The following is an entry in ClinVar:

NM_017636.4(TRPM4):c.3246C>G (p.Ile1082Met)

Gene: TRPM4 (transient receptor potential cation channel subfamily M member 4; plus strand). Cytogenetic location: 19q13.33.
Variant type: single nucleotide variant.
Coding change: c.3246C>G on transcript NM_017636.4 (MANE Select); coding-DNA position 3246, C replaced by G.
Protein change: p.Ile1082Met; replaces isoleucine 1082 with methionine.
Molecular consequence: missense variant.
Genome position (GRCh38, 1-based): chr19:49,210,323, C>G. VCF-style: chr19-49210323-C-G. GRCh37 (hg19) VCF-style: chr19-49713580-C-G.
Other names: c.2811C>G, p.Ile937Met (NM_001195227.2); c.2901C>G, p.Ile967Met (NM_001321281.2); c.1638C>G, p.Ile546Met (NM_001321282.2); c.2724C>G, p.Ile908Met (NM_001321283.2); c.2184C>G, p.Ile728Met (NM_001321285.2); short protein forms I1082M, I546M, I728M, I908M, I937M, I967M.
Identifiers: ClinVar variation 3227023 (VCV003227023.3), dbSNP rs1969301813, ClinGen allele CA406771943.

ClinVar aggregate classification (germline): Uncertain significance. Review status: criteria provided, multiple submitters, no conflicts (2 of 4 stars). 2 submissions from 2 submitters: Uncertain significance (2). Last evaluated 2025-01-08.

Conditions:
Cardiovascular phenotype. Identifiers: MedGen CN230736.
Progressive familial heart block type IB (PFHB1B). Identifiers: Orphanet 871, MedGen C1970298, MONDO:0011474, OMIM 604559.

gnomAD v4.1: 6 of 1,614,248 alleles (0.00037%); highest among the groups gnomAD compares: Non-Finnish European, 0.00051%; no homozygotes.

Submissions (2):

Labcorp Genetics (formerly Invitae), Labcorp
Classification: Uncertain significance for Progressive familial heart block type IB. Last evaluated: 2025-01-08. Review status: criteria provided, single submitter. Criteria: Invitae Variant Classification Sherloc (09022015). Collection method: clinical testing. Allele origin: germline.
Comment: This sequence change replaces isoleucine, which is neutral and non-polar, with methionine, which is neutral and non-polar, at codon 1082 of the TRPM4 protein (p.Ile1082Met). This variant is not present in population databases (gnomAD no frequency). This variant has not been reported in the literature in individuals affected with TRPM4-related conditions. ClinVar contains an entry for this variant (Variation ID: 3227023). An algorithm developed to predict the effect of missense changes on protein structure and function (PolyPhen-2) suggests that this variant is likely to be disruptive. In summary, the available evidence is currently insufficient to determine the role of this variant in disease. Therefore, it has been classified as a Variant of Uncertain Significance.

Ambry Genetics
Classification: Uncertain significance for Cardiovascular phenotype. Last evaluated: 2023-09-27. Review status: criteria provided, single submitter. Criteria: Ambry Variant Classification Scheme 2023. Collection method: clinical testing. Allele origin: germline.
Comment: The p.I1082M variant (also known as c.3246C>G), located in coding exon 21 of the TRPM4 gene, results from a C to G substitution at nucleotide position 3246. The isoleucine at codon 1082 is replaced by methionine, an amino acid with highly similar properties. This amino acid position is not well conserved in available vertebrate species. In addition, this alteration is predicted to be tolerated by in silico analysis. Since supporting evidence is limited at this time, the clinical significance of this alteration remains unclear.